The following is an entry in ClinVar:

NM_004628.5(XPC):c.2633C>T (p.Ala878Val)

Gene: XPC (XPC complex subunit, DNA damage recognition and repair factor; minus strand). Cytogenetic location: 3p25.1.
Variant type: single nucleotide variant.
Coding change: c.2633C>T on transcript NM_004628.5 (MANE Select); coding-DNA position 2633, C replaced by T.
Protein change: p.Ala878Val; replaces alanine 878 with valine.
Molecular consequence: missense variant. On other transcripts: non-coding transcript variant (2).
Genome position (GRCh38, 1-based): chr3:14,146,131, G>A on the plus strand (C>T on the coding strand, the complement: XPC is on the minus strand). VCF-style: chr3-14146131-G-A. GRCh37 (hg19) VCF-style: chr3-14187631-G-A.
Other names: c.2054C>T, p.Ala685Val (NM_001354726.2); c.2627C>T, p.Ala876Val (NM_001354727.2); c.2615C>T, p.Ala872Val (NM_001354729.2); c.2387C>T, p.Ala796Val (NM_001354730.2); short protein forms A685V, A796V, A872V, A876V, A878V.
Identifiers: ClinVar variation 1692827 (VCV001692827.1), dbSNP rs183167499, ClinGen allele CA2267054.

ClinVar aggregate classification (germline): Uncertain significance (1 of 4 stars; one submission).

Conditions:
Xeroderma pigmentosum (XP). Identifiers: Orphanet 910, MedGen C0043346, MONDO:0019600.

gnomAD v4.1: 10 of 1,610,462 alleles (0.00062%); highest among the groups gnomAD compares: Non-Finnish European, 0.00076%; no homozygotes.

Submission:

Sema4
Classification: Uncertain significance for Xeroderma pigmentosum. Last evaluated: 2022-03-09. Review status: criteria provided, single submitter. Criteria: Sema4 Curation Guidelines. Collection method: curation. Allele origin: germline.
Comment: The XPC c.2633C>T (p.A878V) variant has not been reported in the literature to our knowledge. It was observed in 2/110054 chromosomes of the European (non-Finnish) subpopulation, in the large and broad cohorts of the Genome Aggregation Database (PMID: 32461654). This variant has not been reported in ClinVar. In silico tools suggest the impact of the variant on protein function is benign, though these predictions have not been confirmed by functional studies. The evidence is insufficient to meet ACMG/AMP criteria for classifying the variant as benign or pathogenic. Thus, the clinical significance of this variant is currently uncertain.